The following is an entry in ClinVar:

ClinVar aggregate classification (germline): Conflicting classifications of pathogenicity. Review status: criteria provided, conflicting classifications (1 of 4 stars). 5 submissions from 5 submitters: Likely pathogenic (1); Uncertain significance (3). 1 of the submissions does not count toward it. Last evaluated 2025-12-29.

Conditions:
Autosomal recessive nonsyndromic hearing loss 29. Identifiers: Orphanet 90636, MedGen C3279660, MONDO:0013537, OMIM 614035.

Allele frequency attached by ClinVar (database versions not stated): gnomAD 0.00003 and 0.00004; gnomAD exomes 0.00003 and 0.00004; TOPMed 0.00003; ExAC 0.00005.
gnomAD v4.1: 49 of 1,613,084 alleles (0.003%); highest among the groups gnomAD compares: Non-Finnish European, 0.0036%; no homozygotes.

Submissions (5):

Clinical Genomics Laboratory, Washington University in St. Louis
Classification: Uncertain significance for Autosomal recessive nonsyndromic hearing loss 29. Last evaluated: 2025-12-29. Review status: criteria provided, single submitter. Criteria: ACMG Guidelines, 2015. Collection method: clinical testing. Allele origin: germline.
Comment: A CLDN14 c.301G>A (p.Gly101Arg) variant was identified at a near heterozygous allelic fraction of 47.2%, a frequency which may be consistent with it being of germline origin. This variant, to our knowledge, has not been reported in the medical literature in individuals with isolated vascular malformations, but has been identified in numerous individuals with autosomal recessive hearing loss (Wattenhofer M et al., PMID: 15880785; Kim M et al., PMID: 24752540; Pater JA et al., PMID: 27838790; Morgan A et al., PMID: 33105617). It has been reported in the ClinVar database as a germline variant of uncertain significance by two submitters and a likely pathogenic variant by one submitter (Variation ID: 4852). It is only observed in 49/1,613,084 alleles in the general population (gnomAD v4.1.0), indicating it is not a common variant. It resides within a region, the second transmembrane domain (TM2), of CLDN14 that is defined as a critical functional domain (Hou J et al., PMID: 22731732). Computational predictors indicate that the variant is damaging, evidence that correlates with impact to CLDN14 function. Due to limited information, and based on ACMG/AMP guidelines for variant interpretation (Richards S et al., PMID: 25741868), the clinical significance of this variant is uncertain at this time.

GeneDx
Classification: Uncertain significance. Last evaluated: 2024-07-16. Review status: criteria provided, single submitter. Criteria: GeneDx Variant Classification Process June 2021. Collection method: clinical testing. Allele origin: germline. Affected: yes.
Comment: Published functional studies suggest the variant may impair polymerization of the CLDN14 protein and interfere with the formation of tight junction strands, however additional studies are needed to determine the significance of this effect (Wattenhofer M et al., 2005); In silico analysis supports that this missense variant has a deleterious effect on protein structure/function; This variant is associated with the following publications: (PMID: 34426522, 31589614, 31527509, 27838790, 22246673, 24752540, 29447821, 15880785, 38790217, 33105617)

Labcorp Genetics (formerly Invitae), Labcorp
Classification: Uncertain significance. Last evaluated: 2023-03-17. Review status: criteria provided, single submitter. Criteria: Invitae Variant Classification Sherloc (09022015). Collection method: clinical testing. Allele origin: germline.
Comment: ClinVar contains an entry for this variant (Variation ID: 4852). This sequence change replaces glycine, which is neutral and non-polar, with arginine, which is basic and polar, at codon 101 of the CLDN14 protein (p.Gly101Arg). This variant is present in population databases (rs74315438, gnomAD 0.008%). This missense change has been observed in individual(s) with deafness (PMID: 15880785, 33105617; Invitae). An algorithm developed to predict the effect of missense changes on protein structure and function (PolyPhen-2) suggests that this variant is likely to be disruptive. Experimental studies have shown that this missense change affects CLDN14 function (PMID: 15880785). In summary, the available evidence is currently insufficient to determine the role of this variant in disease. Therefore, it has been classified as a Variant of Uncertain Significance.

Genomic Research Center, Shahid Beheshti University of Medical Sciences
Classification: Likely pathogenic for Deafness, autosomal recessive 29. Last evaluated: 2019-04-27. Review status: criteria provided, single submitter. Criteria: ACMG Guidelines, 2015. Collection method: clinical testing. Allele origin: unknown. Affected: no.

OMIM
Classification: Pathogenic for DEAFNESS, AUTOSOMAL RECESSIVE 29. Last evaluated: 2005-06-01. Review status: no assertion criteria provided. Collection method: literature only. Allele origin: germline. Not counted in ClinVar's aggregate classification.

Literature cited by the submitters: PubMed 15880785 (cited by Labcorp Genetics (formerly Invitae), Labcorp and OMIM); PubMed 33105617 (cited by Labcorp Genetics (formerly Invitae), Labcorp).

NM_001146079.2(CLDN14):c.301G>A (p.Gly101Arg)

Genes: CLDN14 (claudin 14; minus strand), CLDN14-AS1 (CLDN14 antisense RNA 1; plus strand). Cytogenetic location: 21q22.13.
Variant type: single nucleotide variant.
Coding change: c.301G>A on transcript NM_001146079.2 (MANE Select); coding-DNA position 301, G replaced by A.
Protein change: p.Gly101Arg; replaces glycine 101 with arginine.
Molecular consequence: missense variant.
Genome position (GRCh38, 1-based): chr21:36,461,395, C>T on the plus strand (G>A on the coding strand, the complement: CLDN14 is on the minus strand). VCF-style: chr21-36461395-C-T. GRCh37 (hg19) VCF-style: chr21-37833693-C-T.
Other names: c.301G>A, p.Gly101Arg (NM_001146077.2, NM_001146078.3, NM_012130.4 and 1 more transcripts); short protein forms G101R.
Identifiers: ClinVar variation 4852 (VCV000004852.13), dbSNP rs74315438, ClinGen allele CA117104.
Genomic context (GRCh38, chr21:36,461,395, plus strand): 5'-CGAGGATGGCAAAGGTGGTCTTGGCGGGTGTGCCCTTGGCGCAGCGCGTGCACTTCATCC[C>T]GATGACGGCGCAGGCGCAGGCTATGCCCGAGAGCAGGCAGGAGATGACCATGAGGGCGCG-3'
Protein context (NP_001139551.1, residues 91-111): SGIACACAVI[Gly101Arg]MKCTRCAKGT